The following is an entry in ClinVar:

NM_000214.3(JAG1):c.3032A>G (p.Glu1011Gly)

Gene: JAG1 (jagged canonical Notch ligand 1; minus strand). Cytogenetic location: 20p12.2.
Variant type: single nucleotide variant.
Coding change: c.3032A>G on transcript NM_000214.3 (MANE Select); coding-DNA position 3032, A replaced by G.
Protein change: p.Glu1011Gly; replaces glutamic acid 1011 with glycine.
Molecular consequence: missense variant.
Genome position (GRCh38, 1-based): chr20:10,641,129, T>C on the plus strand (A>G on the coding strand, the complement: JAG1 is on the minus strand). VCF-style: chr20-10641129-T-C. GRCh37 (hg19) VCF-style: chr20-10621777-T-C.
Other names: short protein forms E1011G.
Identifiers: ClinVar variation 960266 (VCV000960266.9), dbSNP rs2067267844, ClinGen allele CA408244421.

ClinVar aggregate classification (germline): Uncertain significance (1 of 4 stars; one submission).

Conditions:
Alagille syndrome due to a JAG1 point mutation. Also called: HEPATIC DUCTULAR HYPOPLASIA, SYNDROMATIC; Alagille Syndrome 1; JAG1-Related Alagille Syndrome. Identifiers: Orphanet 261619, Orphanet 52, MedGen C1956125, MONDO:0016862, OMIM 118450.

Submission:

Labcorp Genetics (formerly Invitae), Labcorp
Classification: Uncertain significance for Alagille syndrome due to a JAG1 point mutation. Last evaluated: 2025-05-05. Review status: criteria provided, single submitter. Criteria: Invitae Variant Classification Sherloc (09022015). Collection method: clinical testing. Allele origin: germline.
Comment: This sequence change replaces glutamic acid, which is acidic and polar, with glycine, which is neutral and non-polar, at codon 1011 of the JAG1 protein (p.Glu1011Gly). This variant is not present in population databases (gnomAD no frequency). This variant has not been reported in the literature in individuals affected with JAG1-related conditions. ClinVar contains an entry for this variant (Variation ID: 960266). Invitae Evidence Modeling of protein sequence and biophysical properties (such as structural, functional, and spatial information, amino acid conservation, physicochemical variation, residue mobility, and thermodynamic stability) has been performed for this missense variant. However, the output from this modeling did not meet the statistical confidence thresholds required to predict the impact of this variant on JAG1 protein function. In summary, the available evidence is currently insufficient to determine the role of this variant in disease. Therefore, it has been classified as a Variant of Uncertain Significance.